The following is an entry in ClinVar:

ClinVar aggregate classification (germline): Uncertain significance (1 of 4 stars; one submission).

Conditions:
Otospondylomegaepiphyseal dysplasia, autosomal recessive (OSMEDB). Also called: CHONDRODYSTROPHY WITH SENSORINEURAL DEAFNESS; Insley-Astley syndrome. Identifiers: Orphanet 1427, MedGen CN034493, MONDO:0044206, OMIM 215150.
Fibrochondrogenesis 2 (FBCG2). Identifiers: Orphanet 2021, MedGen C3281128, MONDO:0013795, OMIM 614524.
Otospondylomegaepiphyseal dysplasia, autosomal dominant (OSMEDA). Also called: Stickler syndrome, type 3; COL11A2-Related Stickler Syndrome; Pierre Robin syndrome with fetal chondrodysplasia. Identifiers: Orphanet 166100, Orphanet 3450, MedGen C1848488, MONDO:0008490, OMIM 184840.
Autosomal dominant nonsyndromic hearing loss 13. Identifiers: Orphanet 90635, MedGen C1866095, MONDO:0011159, OMIM 601868.
Autosomal recessive nonsyndromic hearing loss 53. Identifiers: Orphanet 90636, MedGen C1864746, MONDO:0012333, OMIM 609706.

Submission:

Juno Genomics, Hangzhou Juno Genomics, Inc
Classification: Uncertain significance for Autosomal dominant nonsyndromic hearing loss 13; Autosomal recessive nonsyndromic hearing loss 53; Fibrochondrogenesis 2; Otospondylomegaepiphyseal dysplasia, autosomal dominant; Otospondylomegaepiphyseal dysplasia, autosomal recessive. Review status: criteria provided, single submitter. Criteria: ACMG Guidelines, 2015. Collection method: clinical testing. Allele origin: germline. Affected: yes.
Comment: Absent from controls (or at extremely low frequency if recessive) in Genome Aggregation Database, Exome Sequencing Project, 1000 Genomes Project, or Exome Aggregation Consortium.;Multiple lines of computational evidence support a deleterious effect on the gene or gene product (conservation, evolutionary, splicing impact, etc).;Missense variant in a gene that has a low rate of benign missense variation and where missense variants are a common mechanism of disease.

NM_080680.3(COL11A2):c.3470T>A (p.Leu1157Gln)

Gene: COL11A2 (collagen type XI alpha 2 chain; minus strand). Cytogenetic location: 6p21.32.
Variant type: single nucleotide variant.
Coding change: c.3470T>A on transcript NM_080680.3 (MANE Select); coding-DNA position 3470, T replaced by A.
Protein change: p.Leu1157Gln; replaces leucine 1157 with glutamine.
Molecular consequence: missense variant.
Genome position (GRCh38, 1-based): chr6:33,170,814, A>T on the plus strand (T>A on the coding strand, the complement: COL11A2 is on the minus strand). VCF-style: chr6-33170814-A-T. GRCh37 (hg19) VCF-style: chr6-33138591-A-T.
Other names: c.3290T>A, p.Leu1097Gln (NM_001424108.1); c.2624T>A, p.Leu875Gln (NM_001424109.1); c.2444T>A, p.Leu815Gln (NM_001424110.1, NM_001424111.1); c.1424T>A, p.Leu475Gln (NM_001424112.1); c.3149T>A, p.Leu1050Gln (NM_080679.3); c.3212T>A, p.Leu1071Gln (NM_080681.3); short protein forms L1050Q, L1071Q, L1097Q, L1157Q, L475Q, L815Q, L875Q.
Identifiers: ClinVar variation 3899345 (VCV003899345.2).